The following is an entry in ClinVar:

ClinVar aggregate classification (germline): Conflicting classifications of pathogenicity. Review status: criteria provided, conflicting classifications (1 of 4 stars). 4 submissions from 4 submitters: Uncertain significance (3); Likely benign (1). Last evaluated 2026-01-11.

Conditions:
Hereditary cancer-predisposing syndrome. Also called: Hereditary neoplastic syndrome; Tumor predisposition; Hereditary Cancer Syndrome; Neoplastic Syndromes, Hereditary. Identifiers: Orphanet 140162, MedGen C0027672, MeSH D009386, MONDO:0015356.
Breast-ovarian cancer, familial, susceptibility to, 2 (BROVCA2). Also called: BRCA2 Hereditary Breast and Ovarian Cancer. Identifiers: Orphanet 145, MedGen C2675520, MONDO:0012933, OMIM 612555. Disease mechanism: loss of function.
Hereditary breast ovarian cancer syndrome. Also called: Hereditary breast and ovarian cancer; Breast and ovarian cancer; Hereditary breast and ovarian cancer syndrome (HBOC); Hereditary breast and/or ovarian cancer syndrome; Hereditary breast and ovarian cancer syndrome; BRCA1- and BRCA2-Associated Hereditary Breast and Ovarian Cancer. Identifiers: Orphanet 145, MedGen C0677776, MeSH D061325, MONDO:0003582. Disease mechanism: loss of function.

Allele frequency attached by ClinVar (database versions not stated): TOPMed 0.00001.

Submissions (4):

Dasa
Classification: Uncertain significance for Breast-ovarian cancer, familial, susceptibility to, 2. Last evaluated: 2026-01-11. Review status: criteria provided, single submitter. Criteria: DASA Assertion Criteria. Collection method: clinical testing. Allele origin: germline.
Comment: NM_000059.4(BRCA2):c.5687C>T (p.Ala1896Val) is a missense variant that results in the substitution of alanine with valine. This variant is rare in population databases. The currently available literature and clinical evidence are not sufficient to establish a definitive association between this variant and the reported condition. Therefore, this variant is classified as a variant of uncertain significance.

University of Washington Department of Laboratory Medicine, University of Washington
Classification: Likely benign for Hereditary cancer-predisposing syndrome. Last evaluated: 2023-03-23. Review status: criteria provided, single submitter. Criteria: Dines et al. (Genet Med. 2020). Collection method: curation. Allele origin: germline.
Comment: Missense variant in a coldspot region where missense variants are very unlikely to be pathogenic (PMID:31911673).

BRCA2 exon 11 coldspot. Reclassification based on statistical prior probability.

Labcorp Genetics (formerly Invitae), Labcorp
Classification: Uncertain significance for Hereditary breast ovarian cancer syndrome. Last evaluated: 2022-08-08. Review status: criteria provided, single submitter. Criteria: Invitae Variant Classification Sherloc (09022015). Collection method: clinical testing. Allele origin: germline.
Comment: Algorithms developed to predict the effect of sequence changes on RNA splicing suggest that this variant may create or strengthen a splice site. Advanced modeling of protein sequence and biophysical properties (such as structural, functional, and spatial information, amino acid conservation, physicochemical variation, residue mobility, and thermodynamic stability) performed at Invitae indicates that this missense variant is not expected to disrupt BRCA2 protein function. ClinVar contains an entry for this variant (Variation ID: 409428). This variant has not been reported in the literature in individuals affected with BRCA2-related conditions. This variant is not present in population databases (gnomAD no frequency). This sequence change replaces alanine, which is neutral and non-polar, with valine, which is neutral and non-polar, at codon 1896 of the BRCA2 protein (p.Ala1896Val). In summary, the available evidence is currently insufficient to determine the role of this variant in disease. Therefore, it has been classified as a Variant of Uncertain Significance.

Mendelics
Classification: Uncertain significance for Breast-ovarian cancer, familial, susceptibility to, 2. Last evaluated: 2019-05-28. Review status: criteria provided, single submitter. Criteria: Mendelics Assertion Criteria 2017. Collection method: clinical testing. Allele origin: unknown.

NM_000059.4(BRCA2):c.5687C>T (p.Ala1896Val)

Gene: BRCA2 (BRCA2 DNA repair associated; plus strand). Cytogenetic location: 13q13.1.
Variant type: single nucleotide variant.
Coding change: c.5687C>T on transcript NM_000059.4 (MANE Select); coding-DNA position 5687, C replaced by T.
Protein change: p.Ala1896Val; replaces alanine 1896 with valine.
Molecular consequence: missense variant.
Genome position (GRCh38, 1-based): chr13:32,340,042, C>T. VCF-style: chr13-32340042-C-T. GRCh37 (hg19) VCF-style: chr13-32914179-C-T.
Other names: short protein forms A1896V.
Identifiers: ClinVar variation 409428 (VCV000409428.13), dbSNP rs730881539, ClinGen allele CA16614323.